The following is an entry in ClinVar:

NM_001430.5(EPAS1):c.506T>C (p.Phe169Ser)

Genes: EPAS1 (endothelial PAS domain protein 1; plus strand), LOC126806210 (BRD4-independent group 4 enhancer GRCh37_chr2:46587586-46588785; plus strand). Cytogenetic location: 2p21.
Variant type: single nucleotide variant.
Coding change: c.506T>C on transcript NM_001430.5 (MANE Select); coding-DNA position 506, T replaced by C.
Protein change: p.Phe169Ser; replaces phenylalanine 169 with serine.
Molecular consequence: missense variant.
Genome position (GRCh38, 1-based): chr2:46,360,689, T>C. VCF-style: chr2-46360689-T-C. GRCh37 (hg19) VCF-style: chr2-46587828-T-C.
Other names: short protein forms F169S.
Identifiers: ClinVar variation 3221658 (VCV003221658.1), dbSNP rs2546454958, ClinGen allele CA346699153.

ClinVar aggregate classification (germline): Uncertain significance (1 of 4 stars; one submission).

Conditions:
Inborn genetic diseases. Identifiers: MedGen C0950123, MeSH D030342.

Submission:

Ambry Genetics
Classification: Uncertain significance for Inborn genetic diseases. Last evaluated: 2023-11-22. Review status: criteria provided, single submitter. Criteria: Ambry Variant Classification Scheme 2023. Collection method: clinical testing. Allele origin: germline.
Comment: The p.F169S variant (also known as c.506T>C), located in coding exon 5 of the EPAS1 gene, results from a T to C substitution at nucleotide position 506. The phenylalanine at codon 169 is replaced by serine, an amino acid with highly dissimilar properties. This amino acid position is conserved. In addition, the in silico prediction for this alteration is inconclusive. Since supporting evidence is limited at this time, the clinical significance of this alteration remains unclear.